The following is an entry in ClinVar:

NM_000397.4(CYBB):c.1315-1G>C

Gene: CYBB (cytochrome b-245 beta chain; plus strand). Cytogenetic location: Xp11.4.
Variant type: single nucleotide variant.
Coding change: c.1315-1G>C on transcript NM_000397.4 (MANE Select); the canonical splice acceptor site of the intron before coding-DNA position 1315, G replaced by C.
Molecular consequence: splice acceptor variant.
Genome position (GRCh38, 1-based): chrX:37,806,386, G>C. VCF-style: chrX-37806386-G-C. GRCh37 (hg19) VCF-style: chrX-37665639-G-C.
Identifiers: ClinVar variation 1378575 (VCV001378575.7), dbSNP rs1556471620, ClinGen allele CA412977972.
Genomic context (GRCh38, chrX:37,806,386, plus strand): 5'-CATGGTAATGCTGATAGGGCCTGCCAAATATAATCTGCTTCATGATCCACCCCATTTTCA[G>C]ATCTACTTCTACTGGCTGTGCCGGGACACACATGCCTTTGAGTGGTTTGCAGATCTGCTG-3'

ClinVar aggregate classification (germline): Pathogenic (1 of 4 stars; one submission).

Conditions:
Granulomatous disease, chronic, X-linked. Also called: GRANULOMATOUS DISEASE, CHRONIC, X-LINKED, SOMATIC MOSAIC; CYTOCHROME b-NEGATIVE GRANULOMATOUS DISEASE, CHRONIC, X-LINKED. Identifiers: Orphanet 379, MedGen C1844376, MONDO:0010600, OMIM 306400.

Submissions (2):

Labcorp Genetics (formerly Invitae), Labcorp
Classification: Pathogenic for Granulomatous disease, chronic, X-linked. Last evaluated: 2022-07-06. Review status: criteria provided, single submitter. Criteria: Invitae Variant Classification Sherloc (09022015). Collection method: clinical testing. Allele origin: germline.
Comment: This variant is not present in population databases (gnomAD no frequency). This sequence change affects an acceptor splice site in intron 10 of the CYBB gene. It is expected to disrupt RNA splicing. Variants that disrupt the donor or acceptor splice site typically lead to a loss of protein function (PMID: 16199547), and loss-of-function variants in CYBB are known to be pathogenic (PMID: 9585602, 20729109). For these reasons, this variant has been classified as Pathogenic. Algorithms developed to predict the effect of sequence changes on RNA splicing suggest that this variant may disrupt the consensus splice site. ClinVar contains an entry for this variant (Variation ID: 1378575). This variant is also known as Intron 10, 3' splice site, G>C. Disruption of this splice site has been observed in individuals with chronic granulomatous disease (PMID: 9585602; Invitae).

Dr. Peter K. Rogan Lab, Western University
No classification provided (evidence only). Condition: Thyroid cancer, nonmedullary, 1. Review status: no classification provided. Collection method: in vitro. Allele origin: not applicable. Functional consequence: retained intron. Not counted in ClinVar's aggregate classification.

Literature cited by the submitters: PubMed 16199547 (cited by Labcorp Genetics (formerly Invitae), Labcorp); PubMed 9585602 (cited by Labcorp Genetics (formerly Invitae), Labcorp); PubMed 20729109 (cited by Labcorp Genetics (formerly Invitae), Labcorp).